The following is an entry in ClinVar:

ClinVar aggregate classification (germline): Benign. Review status: criteria provided, multiple submitters, no conflicts (2 of 4 stars). 2 submissions from 2 submitters: Benign (2). Last evaluated 2018-01-13.

Conditions:
Fleck corneal dystrophy (CFD). Also called: CORNEAL DYSTROPHY, FRANCOIS-NEETENS SPECKLED OR FLECKED. Identifiers: Orphanet 98970, MedGen C1562113, MONDO:0007376, OMIM 121850.

Allele frequency attached by ClinVar (database versions not stated): 1000 Genomes Project 30x 0.90943; 1000 Genomes Project 0.91114; TOPMed 0.92153; gnomAD 0.93103.
gnomAD v4.1: 505,979 of 527,014 alleles (96%); highest among the groups gnomAD compares: Non-Finnish European, 98%; 243,750 homozygotes.

Submissions (2):

Illumina Laboratory Services, Illumina
Classification: Benign for Fleck corneal dystrophy. Last evaluated: 2018-01-13. Review status: criteria provided, single submitter. Criteria: ICSL Variant Classification Criteria 13 December 2019. Collection method: clinical testing. Allele origin: germline.
Comment: This variant was observed in the ICSL laboratory as part of a predisposition screen in an ostensibly healthy population. It had not been previously curated by ICSL or reported in the Human Gene Mutation Database (HGMD: prior to June 1st, 2018), and was therefore a candidate for classification through an automated scoring system. Utilizing variant allele frequency, disease prevalence and penetrance estimates, and inheritance mode, an automated score was calculated to assess if this variant is too frequent to cause the disease. Based on the score and internal cut-off values, a variant classified as benign is not then subjected to further curation. The score for this variant resulted in a classification of benign for this disease.

Breakthrough Genomics
Classification: Benign. Review status: criteria provided, single submitter. Criteria: ACMG Guidelines, 2015. Collection method: not provided. Allele origin: germline. Inheritance: Autosomal dominant inheritance. Affected: yes.

NM_015040.4(PIKFYVE):c.*209G>C

Gene: PIKFYVE (phosphoinositide kinase, FYVE-type zinc finger containing; plus strand). Cytogenetic location: 2q34.
Variant type: single nucleotide variant.
Coding change: c.*209G>C on transcript NM_015040.4 (MANE Select); 209 bases downstream of the stop codon, G replaced by C.
Molecular consequence: 3 prime UTR variant.
Genome position (GRCh38, 1-based): chr2:208,355,514, G>C. VCF-style: chr2-208355514-G-C. GRCh37 (hg19) VCF-style: chr2-209220238-G-C.
Identifiers: ClinVar variation 333942 (VCV000333942.6), dbSNP rs10208295, ClinGen allele CA10614095.